The following is an entry in ClinVar:

ClinVar aggregate classification (germline): Pathogenic. Review status: criteria provided, multiple submitters, no conflicts (2 of 4 stars). 2 submissions from 2 submitters: Pathogenic (2). Last evaluated 2017-03-03.

Conditions:
Foveal hypoplasia 1. Also called: FOVEAL HYPOPLASIA 1 WITH OR WITHOUT ANTERIOR SEGMENT ANOMALIES AND/OR CATARACT; FOVEAL HYPOPLASIA 1 WITH ANTERIOR SEGMENT ANOMALIES. Identifiers: Orphanet 2253, MedGen C3805604, MONDO:0007628, OMIM 136520.
Isolated optic nerve hypoplasia. Also called: Bilateral optic nerve hypoplasia. Identifiers: Orphanet 637061, MedGen C1833797, MONDO:0008136, OMIM 165550.
Aniridia 1 (AN1). Identifiers: Orphanet 250923, MedGen C0344542, MONDO:0024507, OMIM 106210.
Coloboma of optic nerve. Also called: Coloboma of optic nerve (disease); Congenital coloboma of the optic nerve; OPTIC NERVE HEAD PITS, BILATERAL CONGENITAL. Identifiers: Orphanet 35737, Orphanet 98947, MedGen C0155299, MONDO:0007354, OMIM 120430, HP:0000588.
Irido-corneo-trabecular dysgenesis (ASGD5). Also called: ANTERIOR SEGMENT DYSGENESIS 5. Identifiers: Orphanet 708, MedGen C0344559, MONDO:0011414, OMIM 604229, HP:0000659.
Autosomal dominant keratitis. Also called: Keratitis, hereditary. Identifiers: Orphanet 2334, MedGen C1835698, MONDO:0007848, OMIM 148190.
Coloboma, ocular, autosomal dominant (MCOPCB12). Also called: Microphthalmia/coloboma 12. Identifiers: MedGen C5886785, MONDO:0007350, OMIM 120200.

Submissions (2):

Genetics and Molecular Pathology, SA Pathology
Classification: Pathogenic for Aniridia 1. Last evaluated: 2017-03-03. Review status: criteria provided, single submitter. Criteria: ACMG Guidelines, 2015. Collection method: clinical testing. Allele origin: unknown. Inheritance: Autosomal dominant inheritance. Affected: yes. Observed: 4 variant alleles, 4 heterozygotes. Study: ANZRAG.

Juno Genomics, Hangzhou Juno Genomics, Inc
Classification: Pathogenic for Coloboma of optic nerve; Aniridia 1; Irido-corneo-trabecular dysgenesis; Foveal hypoplasia 1; Autosomal dominant keratitis; Coloboma, ocular, autosomal dominant; Isolated optic nerve hypoplasia. Review status: criteria provided, single submitter. Criteria: ACMG Guidelines, 2015. Collection method: clinical testing. Allele origin: germline. Affected: yes.
Comment: Absent from controls (or at extremely low frequency if recessive) in Genome Aggregation Database.;Null variant in a gene where loss of function (LOF) is a known mechanism of disease.;The prevalence of the variant in affected individuals is significantly increased compared to the prevalence in controls.;Co-segregation with disease in multiple affected family members.;Assumed de novo, but without confirmation of paternity and maternity.;Patient's phenotype or family history is highly specific for a disease with a single genetic etiology.

NM_001368894.2(PAX6):c.1225+1G>A

Gene: PAX6 (paired box 6; minus strand). Cytogenetic location: 11p13.
Variant type: single nucleotide variant.
Coding change: c.1225+1G>A on transcript NM_001368894.2 (MANE Select); the canonical splice donor site of the intron after coding-DNA position 1225, G replaced by A.
Molecular consequence: splice donor variant. On other transcripts: intron variant (9).
Genome position (GRCh38, 1-based): chr11:31,790,709, C>T on the plus strand (G>A on the coding strand, the complement: PAX6 is on the minus strand). VCF-style: chr11-31790709-C-T. GRCh37 (hg19) VCF-style: chr11-31812257-C-T.
Other names: c.1300+1G>A (NM_001368918.2, NM_001368919.2); c.1183+1G>A (NM_001368889.2, NM_001368891.2, NM_001127612.3 and 6 more transcripts); c.1024+1G>A (NM_001368924.2, NM_001368923.2, NM_001368926.2 and 3 more transcripts); c.775+1G>A (NM_001368906.2, NM_001368908.2, NM_001368901.2 and 10 more transcripts); c.625-690G>A (NM_001368929.2); c.580+1G>A (NM_001368930.2); c.874-690G>A (NM_001368921.2); c.1225+1G>A (NM_001258462.3, NM_001310158.2, NM_001258463.2 and 3 more transcripts); and 6 more.
Identifiers: ClinVar variation 492996 (VCV000492996.5), dbSNP rs1554982537, ClinGen allele CA379966973.